The following is an entry in ClinVar:

NM_000038.6(APC):c.1642T>A (p.Leu548Met)

Gene: APC (APC regulator of Wnt signaling pathway; plus strand). Cytogenetic location: 5q22.2.
Variant type: single nucleotide variant.
Coding change: c.1642T>A on transcript NM_000038.6 (MANE Select); coding-DNA position 1642, T replaced by A.
Protein change: p.Leu548Met; replaces leucine 548 with methionine.
Molecular consequence: missense variant.
Genome position (GRCh38, 1-based): chr5:112,828,871, T>A. VCF-style: chr5-112828871-T-A. GRCh37 (hg19) VCF-style: chr5-112164568-T-A.
Other names: c.1642T>A, p.Leu548Met (NM_001127510.3, NM_001354895.2); c.1588T>A, p.Leu530Met (NM_001127511.3); c.1696T>A, p.Leu566Met (NM_001354896.2); c.1672T>A, p.Leu558Met (NM_001354897.2); c.1567T>A, p.Leu523Met (NM_001354898.2); c.1558T>A, p.Leu520Met (NM_001354899.2); c.1519T>A, p.Leu507Met (NM_001354900.2); c.1465T>A, p.Leu489Met (NM_001354901.2); and 5 more; short protein forms L388M, L422M, L507M, L548M, L447M, L489M, L520M, L558M.
Identifiers: ClinVar variation 656514 (VCV000656514.10), dbSNP rs1060503373, ClinGen allele CA16024894.

ClinVar aggregate classification (germline): Uncertain significance (1 of 4 stars; one submission).

Conditions:
Familial adenomatous polyposis 1 (FAP1). Also called: FAMILIAL ADENOMATOUS POLYPOSIS 1, ATTENUATED; POLYPOSIS, ADENOMATOUS INTESTINAL. Identifiers: MedGen C2713442, MONDO:0021056, OMIM 175100. Disease mechanism: loss of function.

Submission:

Labcorp Genetics (formerly Invitae), Labcorp
Classification: Uncertain significance for Familial adenomatous polyposis 1. Last evaluated: 2024-12-04. Review status: criteria provided, single submitter. Criteria: Invitae Variant Classification Sherloc (09022015). Collection method: clinical testing. Allele origin: germline.
Comment: This sequence change replaces leucine, which is neutral and non-polar, with methionine, which is neutral and non-polar, at codon 548 of the APC protein (p.Leu548Met). This variant is not present in population databases (gnomAD no frequency). This variant has not been reported in the literature in individuals affected with APC-related conditions. ClinVar contains an entry for this variant (Variation ID: 656514). Invitae Evidence Modeling of protein sequence and biophysical properties (such as structural, functional, and spatial information, amino acid conservation, physicochemical variation, residue mobility, and thermodynamic stability) indicates that this missense variant is not expected to disrupt APC protein function with a negative predictive value of 95%. In summary, the available evidence is currently insufficient to determine the role of this variant in disease. Therefore, it has been classified as a Variant of Uncertain Significance.